The following is an entry in ClinVar:

NM_000038.6(APC):c.4749G>A (p.Met1583Ile)

Gene: APC (APC regulator of Wnt signaling pathway; plus strand). Cytogenetic location: 5q22.2.
Variant type: single nucleotide variant.
Coding change: c.4749G>A on transcript NM_000038.6 (MANE Select); coding-DNA position 4749, G replaced by A.
Protein change: p.Met1583Ile; replaces methionine 1583 with isoleucine.
Molecular consequence: missense variant.
Genome position (GRCh38, 1-based): chr5:112,840,343, G>A. VCF-style: chr5-112840343-G-A. GRCh37 (hg19) VCF-style: chr5-112176040-G-A.
Other names: c.4749G>A, p.Met1583Ile (NM_001127510.3, NM_001354895.2); c.4695G>A, p.Met1565Ile (NM_001127511.3); c.4803G>A, p.Met1601Ile (NM_001354896.2); c.4779G>A, p.Met1593Ile (NM_001354897.2); c.4674G>A, p.Met1558Ile (NM_001354898.2); c.4665G>A, p.Met1555Ile (NM_001354899.2); c.4626G>A, p.Met1542Ile (NM_001354900.2); c.4572G>A, p.Met1524Ile (NM_001354901.2); and 5 more; short protein forms M1457I, M1542I, M1300I, M1423I, M1492I, M1524I, M1565I, M1593I.
Identifiers: ClinVar variation 1489401 (VCV001489401.6), dbSNP rs2149922802, ClinGen allele CA16031744.

ClinVar aggregate classification (germline): Uncertain significance (1 of 4 stars; one submission).

Conditions:
Familial adenomatous polyposis 1 (FAP1). Also called: FAMILIAL ADENOMATOUS POLYPOSIS 1, ATTENUATED; POLYPOSIS, ADENOMATOUS INTESTINAL. Identifiers: MedGen C2713442, MONDO:0021056, OMIM 175100. Disease mechanism: loss of function.

Submission:

Labcorp Genetics (formerly Invitae), Labcorp
Classification: Uncertain significance for Familial adenomatous polyposis 1. Last evaluated: 2021-09-09. Review status: criteria provided, single submitter. Criteria: Invitae Variant Classification Sherloc (09022015). Collection method: clinical testing. Allele origin: germline.
Comment: In summary, the available evidence is currently insufficient to determine the role of this variant in disease. Therefore, it has been classified as a Variant of Uncertain Significance. Algorithms developed to predict the effect of missense changes on protein structure and function are either unavailable or do not agree on the potential impact of this missense change (SIFT: "Deleterious"; PolyPhen-2: "Probably Damaging"; Align-GVGD: "Class C0"). This variant has not been reported in the literature in individuals affected with APC-related conditions. This variant is not present in population databases (ExAC no frequency). This sequence change replaces methionine with isoleucine at codon 1583 of the APC protein (p.Met1583Ile). The methionine residue is highly conserved and there is a small physicochemical difference between methionine and isoleucine.